The following is an entry in ClinVar:

NM_000059.4(BRCA2):c.5186A>C (p.Lys1729Thr)

Gene: BRCA2 (BRCA2 DNA repair associated; plus strand). Cytogenetic location: 13q13.1.
Variant type: single nucleotide variant.
Coding change: c.5186A>C on transcript NM_000059.4 (MANE Select); coding-DNA position 5186, A replaced by C.
Protein change: p.Lys1729Thr; replaces lysine 1729 with threonine.
Molecular consequence: missense variant.
Genome position (GRCh38, 1-based): chr13:32,339,541, A>C. VCF-style: chr13-32339541-A-C. GRCh37 (hg19) VCF-style: chr13-32913678-A-C.
Other names: short protein forms K1729T.
Identifiers: ClinVar variation 409550 (VCV000409550.15), dbSNP rs772860507, ClinGen allele CA6940852.

ClinVar aggregate classification (germline): Conflicting classifications of pathogenicity. Review status: criteria provided, conflicting classifications (1 of 4 stars). 5 submissions from 5 submitters: Uncertain significance (4); Likely benign (1). Last evaluated 2025-07-10.

Conditions:
Hereditary breast ovarian cancer syndrome. Also called: Hereditary breast and ovarian cancer; Hereditary breast and/or ovarian cancer syndrome; BRCA1- and BRCA2-Associated Hereditary Breast and Ovarian Cancer; Hereditary breast and ovarian cancer syndrome; Hereditary breast and ovarian cancer syndrome (HBOC); Breast and ovarian cancer. Identifiers: Orphanet 145, MedGen C0677776, MeSH D061325, MONDO:0003582. Disease mechanism: loss of function.
Hereditary cancer-predisposing syndrome. Also called: Tumor predisposition; Hereditary Cancer Syndrome; Hereditary neoplastic syndrome; Neoplastic Syndromes, Hereditary. Identifiers: Orphanet 140162, MedGen C0027672, MeSH D009386, MONDO:0015356.

Allele frequency attached by ClinVar (database versions not stated): ExAC 0.00001; gnomAD exomes 0.00001; TOPMed 0.00001.
gnomAD v4.1: 3 of 1,605,352 alleles (0.00019%); highest among the groups gnomAD compares: East Asian, 0.0067%; no homozygotes.

Submissions (5):

Color Diagnostics, LLC DBA Color Health
Classification: Uncertain significance for Hereditary cancer-predisposing syndrome. Last evaluated: 2025-07-10. Review status: criteria provided, single submitter. Criteria: ACMG Guidelines, 2015. Collection method: clinical testing. Allele origin: germline.
Comment: This missense variant replaces lysine with threonine at codon 1729 of the BRCA2 protein. Computational prediction suggests that this variant may not impact protein structure and function. To our knowledge, functional studies have not been reported for this variant. This variant has been detected in a breast cancer case-control meta-analysis in 1/60466 cases and 0/53461 unaffected individuals (PMID: 33471991Leiden Open Variation Database DB-ID BRCA2_008313). This variant has been identified in 2/242938 chromosomes in the general population by the Genome Aggregation Database (gnomAD). The available evidence is insufficient to determine the role of this variant in disease conclusively. Therefore, this variant is classified as a Variant of Uncertain Significance.

Labcorp Genetics (formerly Invitae), Labcorp
Classification: Uncertain significance for Hereditary breast ovarian cancer syndrome. Last evaluated: 2024-10-01. Review status: criteria provided, single submitter. Criteria: Invitae Variant Classification Sherloc (09022015). Collection method: clinical testing. Allele origin: germline.
Comment: This sequence change replaces lysine, which is basic and polar, with threonine, which is neutral and polar, at codon 1729 of the BRCA2 protein (p.Lys1729Thr). This variant is present in population databases (rs772860507, gnomAD 0.01%). This variant has not been reported in the literature in individuals affected with BRCA2-related conditions. ClinVar contains an entry for this variant (Variation ID: 409550). Invitae Evidence Modeling of protein sequence and biophysical properties (such as structural, functional, and spatial information, amino acid conservation, physicochemical variation, residue mobility, and thermodynamic stability) indicates that this missense variant is not expected to disrupt BRCA2 protein function with a negative predictive value of 95%. In summary, the available evidence is currently insufficient to determine the role of this variant in disease. Therefore, it has been classified as a Variant of Uncertain Significance.

Ambry Genetics
Classification: Uncertain significance for Hereditary cancer-predisposing syndrome. Last evaluated: 2023-12-07. Review status: criteria provided, single submitter. Criteria: Ambry Variant Classification Scheme 2023. Collection method: clinical testing. Allele origin: germline.
Comment: The p.K1729T variant (also known as c.5186A>C), located in coding exon 10 of the BRCA2 gene, results from an A to C substitution at nucleotide position 5186. The lysine at codon 1729 is replaced by threonine, an amino acid with similar properties. This amino acid position is not well conserved in available vertebrate species. In addition, this alteration is predicted to be tolerated by in silico analysis. Since supporting evidence is limited at this time, the clinical significance of this alteration remains unclear.

University of Washington Department of Laboratory Medicine, University of Washington
Classification: Likely benign for Hereditary cancer-predisposing syndrome. Last evaluated: 2023-03-23. Review status: criteria provided, single submitter. Criteria: Dines et al. (Genet Med. 2020). Collection method: curation. Allele origin: germline.
Comment: Missense variant in a coldspot region where missense variants are very unlikely to be pathogenic (PMID:31911673).

BRCA2 exon 11 coldspot. Reclassification based on statistical prior probability.

Women's Health and Genetics/Laboratory Corporation of America, LabCorp
Classification: Uncertain significance. Last evaluated: 2021-10-21. Review status: criteria provided, single submitter. Criteria: LabCorp Variant Classification Summary - May 2015. Collection method: clinical testing. Allele origin: germline.

Literature cited by the submitters: PubMed 33471991 (cited by Color Diagnostics, LLC DBA Color Health).